The following is an entry in ClinVar:

ClinVar aggregate classification (germline): Uncertain significance (1 of 4 stars; one submission).

Submission:

Ambry Genetics
Classification: Uncertain significance. Last evaluated: 2024-10-13. Review status: criteria provided, single submitter. Criteria: Ambry Variant Classification Scheme 2023. Collection method: clinical testing. Allele origin: germline.
Comment: The p.T1010P variant (also known as c.3028A>C), located in coding exon 4 of the ALPK2 gene, results from an A to C substitution at nucleotide position 3028. The threonine at codon 1010 is replaced by proline, an amino acid with highly similar properties. This amino acid position is conserved. In addition, this alteration is predicted to be tolerated by in silico analysis. Based on the available evidence, the clinical significance of this variant remains unclear.

NM_052947.4(ALPK2):c.3028A>C (p.Thr1010Pro)

Gene: ALPK2 (alpha kinase 2; minus strand). Cytogenetic location: 18q21.31.
Variant type: single nucleotide variant.
Coding change: c.3028A>C on transcript NM_052947.4 (MANE Select); coding-DNA position 3028, A replaced by C.
Protein change: p.Thr1010Pro; replaces threonine 1010 with proline.
Molecular consequence: missense variant.
Genome position (GRCh38, 1-based): chr18:58,537,159, T>G on the plus strand (A>C on the coding strand, the complement: ALPK2 is on the minus strand). VCF-style: chr18-58537159-T-G. GRCh37 (hg19) VCF-style: chr18-56204391-T-G.
Other names: short protein forms T1010P.
Identifiers: ClinVar variation 3531721 (VCV003531721.1).